The following is an entry in ClinVar:

ClinVar aggregate classification (germline): Uncertain significance (1 of 4 stars; one submission).

Conditions:
Age related macular degeneration 4. Identifiers: MedGen C1853147, MONDO:0012540, OMIM 610698.

gnomAD v4.1: 5 of 1,611,998 alleles (0.00031%); highest among the groups gnomAD compares: Non-Finnish European, 0.00042%; no homozygotes.

Submission:

Genomenon, Inc
Classification: Uncertain significance for Age related macular degeneration 4. Last evaluated: 2025-10-02. Review status: criteria provided, single submitter. Criteria: Genomenon Sequence Variant Interpretation Standards - Updated. Collection method: curation. Allele origin: germline. Affected: yes.
Comment: CFH p.Gln846Arg (c.2537A>G) is a missense variant that changes the amino acid at residue 846 from Glutamine to Arginine. This variant has been observed in at least one proband affected with age-related macular degeneration (PMID:28859202). It is absent or not present at a significant frequency in gnomAD. In silico models agree that this variant is not damaging. In conclusion, we classify CFH p.Gln846Arg (c.2537A>G) as a variant of uncertain significance.

Literature cited by the submitters: PubMed 28859202.

NM_000186.4(CFH):c.2537A>G (p.Gln846Arg)

Gene: CFH (complement factor H; plus strand). Cytogenetic location: 1q31.3.
Variant type: single nucleotide variant.
Coding change: c.2537A>G on transcript NM_000186.4 (MANE Select); coding-DNA position 2537, A replaced by G.
Protein change: p.Gln846Arg; replaces glutamine 846 with arginine.
Molecular consequence: missense variant.
Genome position (GRCh38, 1-based): chr1:196,736,947, A>G. VCF-style: chr1-196736947-A-G. GRCh37 (hg19) VCF-style: chr1-196706077-A-G.
Other names: short protein forms Q846R.
Identifiers: ClinVar variation 4291484 (VCV004291484.1).